The following is an entry in ClinVar:

NM_015559.3(SETBP1):c.4572G>C (p.Pro1524=)

Gene: SETBP1 (SET binding protein 1; plus strand). Cytogenetic location: 18q12.3.
Variant type: single nucleotide variant.
Coding change: c.4572G>C on transcript NM_015559.3 (MANE Select); coding-DNA position 4572, G replaced by C.
Protein change: p.Pro1524=; no amino-acid change (proline 1524 retained).
Molecular consequence: synonymous variant.
Genome position (GRCh38, 1-based): chr18:45,063,479, G>C. VCF-style: chr18-45063479-G-C. GRCh37 (hg19) VCF-style: chr18-42643444-G-C.
Other names: c.4572G>C, p.Pro1524= (NM_001379141.1, NM_001379142.1); c.4401G>C, p.Pro1467= (NM_001410862.1).
Identifiers: ClinVar variation 3056182 (VCV003056182.16), dbSNP rs1027613792, ClinGen allele CA299946220.

ClinVar aggregate classification (germline): Likely benign. Review status: criteria provided, single submitter (1 of 4 stars). 2 submissions from 2 submitters: Likely benign (1). 1 of the submissions does not count toward it. Last evaluated 2024-10-01.

Conditions:
SETBP1-related disorder. Also called: SETBP1-related condition; SETBP1-related disorders.

Submissions (2):

CeGaT Center for Human Genetics Tuebingen
Classification: Likely benign. Last evaluated: 2024-10-01. Review status: criteria provided, single submitter. Criteria: CeGaT Center For Human Genetics Tuebingen Variant Classification Criteria Version 2. Collection method: clinical testing. Allele origin: germline. Affected: yes. Observed: 1 variant allele.
Comment: SETBP1: BP4, BP7

PreventionGenetics, part of Exact Sciences
Classification: Benign for SETBP1-related condition. Last evaluated: 2019-07-24. Review status: no assertion criteria provided. Collection method: clinical testing. Allele origin: germline. Not counted in ClinVar's aggregate classification.
Comment: This variant is classified as benign based on ACMG/AMP sequence variant interpretation guidelines (Richards et al. 2015 PMID: 25741868, with internal and published modifications).